The following is an entry in ClinVar:

NM_001376.5(DYNC1H1):c.4227A>C (p.Lys1409Asn)

Gene: DYNC1H1 (dynein cytoplasmic 1 heavy chain 1; plus strand). Cytogenetic location: 14q32.31.
Variant type: single nucleotide variant.
Coding change: c.4227A>C on transcript NM_001376.5 (MANE Select); coding-DNA position 4227, A replaced by C.
Protein change: p.Lys1409Asn; replaces lysine 1409 with asparagine.
Molecular consequence: missense variant.
Genome position (GRCh38, 1-based): chr14:102,001,186, A>C. VCF-style: chr14-102001186-A-C. GRCh37 (hg19) VCF-style: chr14-102467523-A-C.
Other names: c.4227A>C (NM_001376.4); short protein forms K1409N.
Identifiers: ClinVar variation 1005892 (VCV001005892.11), dbSNP rs1941718258, ClinGen allele CA391040130.
Genomic context (GRCh38, chr14:102,001,186, plus strand): 5'-TTGTTTACTTTCTCCACAGATAAATATGCTGGTGATTGAACTGAAATCCGAAGCACTTAA[A>C]GACCGCCATTGGAAACAGCTCATGAAAAGGCTTCACGTTAATTGGGTTGTTTCTGAGCTA-3'
Protein context (NP_001367.2, residues 1399-1419): LVIELKSEAL[Lys1409Asn]DRHWKQLMKR

ClinVar aggregate classification (germline): Uncertain significance. Review status: criteria provided, multiple submitters, no conflicts (2 of 4 stars). 3 submissions from 3 submitters: Uncertain significance (3). Last evaluated 2025-05-13.

Conditions:
Charcot-Marie-Tooth disease axonal type 2O. Also called: CHARCOT-MARIE-TOOTH NEUROPATHY, AXONAL, TYPE 2O; CHARCOT-MARIE-TOOTH DISEASE, AXONAL, AUTOSOMAL DOMINANT, TYPE 2O; Charcot-Marie-Tooth disease, axonal, type 20; Charcot-Marie-Tooth Neuropathy Type 2O. Identifiers: Orphanet 284232, MedGen C3280220, MONDO:0013644, OMIM 614228.

Submissions (3):

GeneDx
Classification: Uncertain significance. Last evaluated: 2025-05-13. Review status: criteria provided, single submitter. Criteria: GeneDx Variant Classification Process June 2021. Collection method: clinical testing. Allele origin: germline.
Comment: Not observed at significant frequency in large population cohorts (gnomAD); In silico analysis supports that this missense variant has a deleterious effect on protein structure/function; Has not been previously published as pathogenic or benign to our knowledge; This variant is associated with the following publications: (PMID: 25512093, 25609763, 26100331)

Labcorp Genetics (formerly Invitae), Labcorp
Classification: Uncertain significance for Charcot-Marie-Tooth disease axonal type 2O. Last evaluated: 2024-05-15. Review status: criteria provided, single submitter. Criteria: Invitae Variant Classification Sherloc (09022015). Collection method: clinical testing. Allele origin: germline.
Comment: This sequence change replaces lysine, which is basic and polar, with asparagine, which is neutral and polar, at codon 1409 of the DYNC1H1 protein (p.Lys1409Asn). This variant is not present in population databases (gnomAD no frequency). This variant has not been reported in the literature in individuals affected with DYNC1H1-related conditions. ClinVar contains an entry for this variant (Variation ID: 1005892). Advanced modeling of protein sequence and biophysical properties (such as structural, functional, and spatial information, amino acid conservation, physicochemical variation, residue mobility, and thermodynamic stability) has been performed at Invitae for this missense variant, however the output from this modeling did not meet the statistical confidence thresholds required to predict the impact of this variant on DYNC1H1 protein function. In summary, the available evidence is currently insufficient to determine the role of this variant in disease. Therefore, it has been classified as a Variant of Uncertain Significance.

Women's Health and Genetics/Laboratory Corporation of America, LabCorp
Classification: Uncertain significance. Last evaluated: 2024-02-02. Review status: criteria provided, single submitter. Criteria: LabCorp Variant Classification Summary - May 2015. Collection method: clinical testing. Allele origin: germline.
Comment: Variant summary: DYNC1H1 c.4227A>C (p.Lys1409Asn) results in a non-conservative amino acid change located in the Dynein heavy chain, linker domain (IPR013602) of the encoded protein sequence. Four of five in-silico tools predict a damaging effect of the variant on protein function. The frequency data for this variant in gnomAD is considered unreliable, as metrics indicate poor data quality at this position. To our knowledge, no occurrence of c.4227A>C in individuals affected with DYNC1H1-Related Disorders and no experimental evidence demonstrating its impact on protein function have been reported. ClinVar contains an entry for this variant (Variation ID: 1005892). Based on the evidence outlined above, the variant was classified as uncertain significance.